The following is an entry in ClinVar:

NM_002890.3(RASA1):c.828+1G>A

Genes: CCNH (cyclin H; minus strand), RASA1 (RAS p21 protein activator 1; plus strand). Cytogenetic location: 5q14.3.
Variant type: single nucleotide variant.
Coding change: c.828+1G>A on transcript NM_002890.3 (MANE Select); the canonical splice donor site of the intron after coding-DNA position 828, G replaced by A.
Molecular consequence: splice donor variant. On other transcripts: intron variant (1).
Genome position (GRCh38, 1-based): chr5:87,332,643, G>A. VCF-style: chr5-87332643-G-A. GRCh37 (hg19) VCF-style: chr5-86628460-G-A.
Other names: c.297+1G>A (NM_022650.3); c.934-19848C>T (NM_001364075.2).
Identifiers: ClinVar variation 1065978 (VCV001065978.9), dbSNP rs2112369549, ClinGen allele CA360377885.

ClinVar aggregate classification (germline): Likely pathogenic (1 of 4 stars; one submission).

Conditions:
Capillary malformation-arteriovenous malformation syndrome. Also called: Capillary malformation-arteriovenous malformation. Identifiers: Orphanet 137667, MedGen C1842180, MONDO:0012016.

Submission:

Labcorp Genetics (formerly Invitae), Labcorp
Classification: Likely pathogenic for Capillary malformation-arteriovenous malformation syndrome. Last evaluated: 2020-09-20. Review status: criteria provided, single submitter. Criteria: Invitae Variant Classification Sherloc (09022015). Collection method: clinical testing. Allele origin: germline.
Comment: In summary, the currently available evidence indicates that the variant is pathogenic, but additional data are needed to prove that conclusively. Therefore, this variant has been classified as Likely Pathogenic. Donor and acceptor splice site variants typically lead to a loss of protein function (PMID: 16199547), and loss-of-function variants in RASA1 are known to be pathogenic (PMID: 24038909). Algorithms developed to predict the effect of sequence changes on RNA splicing suggest that this variant may disrupt the consensus splice site, but this prediction has not been confirmed by published transcriptional studies. This variant has been observed in individual(s) with clinical features of capillary malformation-arteriovenous malformation (PMID: Invitae). This variant is not present in population databases (ExAC no frequency). This sequence change affects a donor splice site in intron 3 of the RASA1 gene. It is expected to disrupt RNA splicing and likely results in an absent or disrupted protein product.

Literature cited by the submitters: PubMed 16199547; PubMed 24038909.